The following is an entry in ClinVar:

ClinVar aggregate classification (germline): Uncertain significance (1 of 4 stars; one submission).

Allele frequency attached by ClinVar (database versions not stated): TOPMed 0.00001.
gnomAD v4.1: 5 of 1,588,926 alleles (0.00031%); highest among the groups gnomAD compares: Non-Finnish European, 0.00034%; no homozygotes.

Submission:

Labcorp Genetics (formerly Invitae), Labcorp
Classification: Uncertain significance. Last evaluated: 2022-04-22. Review status: criteria provided, single submitter. Criteria: Invitae Variant Classification Sherloc (09022015). Collection method: clinical testing. Allele origin: germline.
Comment: This sequence change affects codon 409 of the ZCCHC8 mRNA. It is a 'silent' change, meaning that it does not change the encoded amino acid sequence of the ZCCHC8 protein. This variant also falls at the last nucleotide of exon 12, which is part of the consensus splice site for this exon. In summary, the available evidence is currently insufficient to determine the role of this variant in disease. Therefore, it has been classified as a Variant of Uncertain Significance. Variants that disrupt the consensus splice site are a relatively common cause of aberrant splicing (PMID: 17576681, 9536098). Algorithms developed to predict the effect of sequence changes on RNA splicing suggest that this variant may disrupt the consensus splice site. This variant has not been reported in the literature in individuals affected with ZCCHC8-related conditions. This variant is not present in population databases (gnomAD no frequency).

Literature cited by the submitters: PubMed 17576681; PubMed 9536098.

NM_017612.5(ZCCHC8):c.1227G>A (p.Ala409=)

Gene: ZCCHC8 (zinc finger CCHC-type containing 8; minus strand). Cytogenetic location: 12q24.31.
Variant type: single nucleotide variant.
Coding change: c.1227G>A on transcript NM_017612.5 (MANE Select); coding-DNA position 1227, G replaced by A.
Protein change: p.Ala409=; no amino-acid change (alanine 409 retained).
Molecular consequence: synonymous variant.
Genome position (GRCh38, 1-based): chr12:122,478,206, C>T on the plus strand (G>A on the coding strand, the complement: ZCCHC8 is on the minus strand). VCF-style: chr12-122478206-C-T. GRCh37 (hg19) VCF-style: chr12-122962753-C-T.
Other names: c.996G>A, p.Ala332= (NM_001350935.2); c.930G>A, p.Ala310= (NM_001350936.2); c.513G>A, p.Ala171= (NM_001350937.2, NM_001350938.2).
Identifiers: ClinVar variation 1948974 (VCV001948974.5), dbSNP rs1456895843, ClinGen allele CA482204521.